The following is an entry in ClinVar:

ClinVar aggregate classification (germline): Uncertain significance (1 of 4 stars; one submission).

Submission:

Dasa
Classification: Uncertain significance. Last evaluated: 2025-03-01. Review status: criteria provided, single submitter. Criteria: DASA Assertion Criteria. Collection method: clinical testing. Allele origin: germline.
Comment: NM_000141.5(FGFR2):c.818_820dup (p.Asp273dup) is an in-frame duplication predicted to duplicate aspartic acid at protein position 273 without shifting the reading frame. This variant is absent from population databases. The currently available literature and clinical evidence are not sufficient to establish a definitive association between this variant and the reported condition. Therefore, this variant is classified as a variant of uncertain significance.

NM_000141.5(FGFR2):c.818_820dup (p.Asp273_Val274insAsp)

Gene: FGFR2 (fibroblast growth factor receptor 2; minus strand). Cytogenetic location: 10q26.13.
Variant type: Duplication.
Coding change: c.818_820dup on transcript NM_000141.5 (MANE Select); coding-DNA positions 818 to 820, 3 bases duplicated (ACG; older notation c.818_820dupACG).
Protein change: p.Asp273_Val274insAsp.
Molecular consequence: non-coding transcript variant (on NR_073009.2). On other transcripts: intron variant (1).
Genome position (GRCh38, 1-based): chr10:121,520,098-121,520,100, CGT duplicated on the plus strand (ACG on the coding strand, the reverse complement: FGFR2 is on the minus strand); duplicating any 3 consecutive bases within chr10:121,520,098-121,520,101 gives the same sequence; the c. name uses the placement nearest the transcript's 3' end. VCF-style (leftmost placement, unchanged base first): chr10-121520097-A-ACGT. GRCh37 (hg19) VCF-style: chr10-123279611-A-ACGT.
Other names: c.818_820dup, p.Asp273_Val274insAsp (NM_001144913.1, NM_001144917.2, NM_001320658.2 and 2 more transcripts); c.551_553dup, p.Asp184_Val185insAsp (NM_001144915.2, NM_001144919.2, NM_001441088.1 and 2 more transcripts); c.473_475dup, p.Asp158_Val159insAsp (NM_001144916.2, NM_001144918.2, NM_001441090.1 and 1 more transcripts); c.134_136dup, p.Asp45_Val46insAsp (NM_001320654.2); c.749-4781_749-4779dup (NM_001144914.1).
Identifiers: ClinVar variation 4852724 (VCV004852724.2).
Genomic context (GRCh38, chr10:121,520,097, plus strand): 5'-ACGTGCTTGATCCACTGGATGTGGGGCTGGGCATCACTGTAAACCTTGCAGACAAACTCT[A>ACGT]CGTCTCCTCCGACCACTGTGGAGGCATTTGCCGGCAGTCCGGCTTGGAGGATGGGCCGGT-3'